The following is an entry in ClinVar:

NM_133444.3(ZNF526):c.825C>T (p.Cys275=)

Gene: ZNF526 (zinc finger protein 526; plus strand). Cytogenetic location: 19q13.2.
Variant type: single nucleotide variant.
Coding change: c.825C>T on transcript NM_133444.3 (MANE Select); coding-DNA position 825, C replaced by T.
Protein change: p.Cys275=; no amino-acid change (cysteine 275 retained).
Molecular consequence: synonymous variant.
Genome position (GRCh38, 1-based): chr19:42,225,228, C>T. VCF-style: chr19-42225228-C-T. GRCh37 (hg19) VCF-style: chr19-42729380-C-T.
Other names: c.825C>T, p.Cys275= (NM_001314033.3); c.825C>T (NM_133444.2).
Identifiers: ClinVar variation 437386 (VCV000437386.15), dbSNP rs138082392, ClinGen allele CA9470457.

ClinVar aggregate classification (germline): Conflicting classifications of pathogenicity. Review status: criteria provided, conflicting classifications (1 of 4 stars). 3 submissions from 3 submitters: Uncertain significance (1); Likely benign (1). 1 of the submissions does not count toward it. Last evaluated 2026-05-01.

Conditions:
ZNF526-related disorder. Also called: ZNF526-related condition.

Allele frequency attached by ClinVar (database versions not stated): ExAC 0.00022; gnomAD 0.00022 and 0.00025; TOPMed 0.00022; gnomAD exomes 0.00024 and 0.00029; ESP Exome Variant Server 0.00046.
gnomAD v4.1: 449 of 1,613,994 alleles (0.028%); highest among the groups gnomAD compares: Non-Finnish European, 0.037%; no homozygotes.

Submissions (3):

CeGaT Center for Human Genetics Tuebingen
Classification: Likely benign. Last evaluated: 2026-05-01. Review status: criteria provided, single submitter. Criteria: CeGaT Center For Human Genetics Tuebingen Variant Classification Criteria Version 2. Collection method: clinical testing. Allele origin: germline. Affected: yes. Observed: 2 variant alleles.
Comment: ZNF526: BP4, BP7

Genetic Services Laboratory, University of Chicago
Classification: Uncertain significance. Last evaluated: 2015-08-06. Review status: criteria provided, single submitter. Criteria: ACMG Guidelines, 2015. Collection method: clinical testing. Allele origin: germline. Affected: no.

PreventionGenetics, part of Exact Sciences
Classification: Likely benign for ZNF526-related condition. Last evaluated: 2019-03-15. Review status: no assertion criteria provided. Collection method: clinical testing. Allele origin: germline. Not counted in ClinVar's aggregate classification.
Comment: This variant is classified as likely benign based on ACMG/AMP sequence variant interpretation guidelines (Richards et al. 2015 PMID: 25741868, with internal and published modifications).